The following is an entry in ClinVar:

NM_177438.3(DICER1):c.1818TGA[2] (p.Asp609del)

Gene: DICER1 (dicer 1, ribonuclease III; minus strand). Cytogenetic location: 14q32.13.
Variant type: Microsatellite.
Coding change: c.1818TGA[2] on transcript NM_177438.3 (MANE Select); two copies in a row of the 3-base unit TGA starting at c.1818; the reference has three copies in a row; one copy, 3 bases deleted; also written c.1824_1826del.
Protein change: p.Asp609del; deletes aspartic acid 609.
Molecular consequence: inframe deletion.
Genome position (GRCh38, 1-based): chr14:95,115,748-95,115,750, TCA deleted on the plus strand (TGA on the coding strand, the reverse complement: DICER1 is on the minus strand); deleting any 3 consecutive bases within chr14:95,115,748-95,115,758 gives the same sequence; the position shown is the placement nearest the transcript's 3' end. VCF-style (leftmost placement, unchanged base first): chr14-95115747-GTCA-G. GRCh37 (hg19) VCF-style: chr14-95582084-GTCA-G.
Other names: c.1824_1826del (NM_177438.3); c.1818TGA[2], p.Asp609del (NM_001195573.1, NM_001271282.3, NM_001291628.2 and 1 more transcripts); c.1824_1826delTGA (NM_177438.2); short protein forms D609del.
Identifiers: ClinVar variation 477066 (VCV000477066.16), dbSNP rs1555372586, ClinGen allele CA616115714.
Genomic context (GRCh38, chr14:95,115,747, plus strand): 5'-CGTGTTGATTGTGACTCGTGGACCACCATCGTCAGGCCTCAACACATATGGTGGGAAAAC[GTCA>G]TCATCATCCATGACAGGATCAATGTCAGTCTCACCAGTATCAACCGACTTGGAACACTTG-3'

ClinVar aggregate classification (germline): Uncertain significance. Review status: criteria provided, multiple submitters, no conflicts (2 of 4 stars). 3 submissions from 3 submitters: Uncertain significance (3). Last evaluated 2025-11-05.

Conditions:
Rhabdomyosarcoma, embryonal, 2 (RMSE2). Identifiers: MedGen C1867234, MONDO:0859046, OMIM 180295.
Global developmental delay - lung cysts - overgrowth - Wilms tumor syndrome. Also called: GLOW Syndrome; GLOBAL DEVELOPMENTAL DELAY, LUNG CYSTS, OVERGROWTH, AND WILMS TUMOR. Identifiers: Orphanet 404476, MedGen C4748924, MONDO:0018445, OMIM 618272.
Euthyroid goiter (MNG1). Also called: Goiter, multinodular 1, with or without Sertoli-Leydig cell tumors; GOITER, NONTOXIC, WITH INTRATHYROIDAL CALCIFICATION; MULTINODULAR GOITER, ADOLESCENT; SIMPLE GOITER. Identifiers: Orphanet 276399, MedGen C0302859, MONDO:0007681, OMIM 138800, HP:0009798.
Pleuropulmonary blastoma (PPB). Identifiers: Orphanet 64742, MedGen C1266144, MONDO:0011014, OMIM 601200, HP:0100528.
DICER1-related tumor predisposition. Also called: DICER1-related pleuropulmonary blastoma cancer predisposition syndrome; DICER1 syndrome. Identifiers: Orphanet 284343, MedGen C3839822, MONDO:0100216.
Hereditary cancer-predisposing syndrome. Also called: Tumor predisposition; Neoplastic Syndromes, Hereditary; Hereditary Cancer Syndrome; Hereditary neoplastic syndrome. Identifiers: Orphanet 140162, MedGen C0027672, MeSH D009386, MONDO:0015356.

Submissions (3):

Labcorp Genetics (formerly Invitae), Labcorp
Classification: Uncertain significance for DICER1-related tumor predisposition. Last evaluated: 2025-11-05. Review status: criteria provided, single submitter. Criteria: Invitae Variant Classification Sherloc (09022015). Collection method: clinical testing. Allele origin: germline.
Comment: This variant, c.1824_1826del, results in the deletion of 1 amino acid(s) of the DICER1 protein (p.Asp609del), but otherwise preserves the integrity of the reading frame. This variant is present in population databases (no rsID available, gnomAD 0.006%). This variant has not been reported in the literature in individuals affected with DICER1-related conditions. Experimental studies and prediction algorithms are not available or were not evaluated, and the functional significance of this variant is currently unknown. In summary, the available evidence is currently insufficient to determine the role of this variant in disease. Therefore, it has been classified as a Variant of Uncertain Significance.

Fulgent Genetics
Classification: Uncertain significance for Euthyroid goiter; Rhabdomyosarcoma, embryonal, 2; Pleuropulmonary blastoma; Global developmental delay - lung cysts - overgrowth - Wilms tumor syndrome. Last evaluated: 2024-01-15. Review status: criteria provided, single submitter. Criteria: ACMG Guidelines, 2015. Collection method: clinical testing. Allele origin: germline.

Ambry Genetics
Classification: Uncertain significance for Hereditary cancer-predisposing syndrome. Last evaluated: 2023-09-07. Review status: criteria provided, single submitter. Criteria: Ambry Variant Classification Scheme 2023. Collection method: clinical testing. Allele origin: germline.
Comment: The c.1824_1826delTGA variant (also known as p.D609del) is located in coding exon 10 of the DICER1 gene. This variant results from an in-frame TGA deletion at nucleotide positions 1824 to 1826. This results in the in-frame deletion of an aspartic acid at codon 609. This amino acid position is well conserved in available vertebrate species. In addition, this alteration is predicted to be neutral by in silico analysis (Choi Y et al. PLoS ONE. 2012; 7(10):e46688). Since supporting evidence is limited at this time, the clinical significance of this alteration remains unclear.